The following is an entry in ClinVar:

NM_004958.4(MTOR):c.2845G>T (p.Ala949Ser)

Gene: MTOR (mechanistic target of rapamycin kinase; minus strand). Cytogenetic location: 1p36.22.
Variant type: single nucleotide variant.
Coding change: c.2845G>T on transcript NM_004958.4 (MANE Select); coding-DNA position 2845, G replaced by T.
Protein change: p.Ala949Ser; replaces alanine 949 with serine.
Molecular consequence: missense variant.
Genome position (GRCh38, 1-based): chr1:11,228,853, C>A on the plus strand (G>T on the coding strand, the complement: MTOR is on the minus strand). VCF-style: chr1-11228853-C-A. GRCh37 (hg19) VCF-style: chr1-11288910-C-A.
Other names: c.2845G>T, p.Ala949Ser (NM_001386500.1); c.1597G>T, p.Ala533Ser (NM_001386501.1); short protein forms A533S, A949S.
Identifiers: ClinVar variation 3572548 (VCV003572548.1).
Genomic context (GRCh38, chr1:11,228,853, plus strand): 5'-TGTGATGATGAGAGAGTGACTGGTCTCGGAAGATCCGCATCAGGGCCACCATGGACACAG[C>A]TGGGTAGAACTCATCCAGAGGCAAGTTTCCCATGTTGACCAGCATTTCACTAGTGCTATA-3'
Protein context (NP_004949.1, residues 939-959): GNLPLDEFYP[Ala949Ser]VSMVALMRIF

ClinVar aggregate classification (germline): Uncertain significance (1 of 4 stars; one submission).

Submission:

GeneDx
Classification: Uncertain significance. Last evaluated: 2024-06-17. Review status: criteria provided, single submitter. Criteria: GeneDx Variant Classification Process June 2021. Collection method: clinical testing. Allele origin: germline. Affected: yes.
Comment: Not observed at significant frequency in large population cohorts (gnomAD); In silico analysis indicates that this missense variant does not alter protein structure/function; Has not been previously published as pathogenic or benign to our knowledge